The following is an entry in ClinVar:

ClinVar aggregate classification (germline): Likely benign (1 of 4 stars; one submission).

Submission:

CeGaT Center for Human Genetics Tuebingen
Classification: Likely benign. Last evaluated: 2026-03-01. Review status: criteria provided, single submitter. Criteria: CeGaT Center For Human Genetics Tuebingen Variant Classification Criteria Version 2. Collection method: clinical testing. Allele origin: germline. Affected: yes. Observed: 1 variant allele.
Comment: NTRK2: BS1

NC_000009.12:g.85095099C>T

Gene: NTRK2 (neurotrophic receptor tyrosine kinase 2; plus strand). Cytogenetic location: 9q21.33.
Variant type: single nucleotide variant.
Genome position: GRCh38 VCF-style: chr9-85095099-C-T. GRCh37 (hg19) VCF-style: chr9-87710014-C-T.
Identifiers: ClinVar variation 4822542 (VCV004822542.4).